The following is an entry in ClinVar:

NM_000246.4(CIITA):c.3029C>T (p.Thr1010Ile)

Gene: CIITA (class II major histocompatibility complex transactivator; plus strand). Cytogenetic location: 16p13.13.
Variant type: single nucleotide variant.
Coding change: c.3029C>T on transcript NM_000246.4 (MANE Select); coding-DNA position 3029, C replaced by T.
Protein change: p.Thr1010Ile; replaces threonine 1010 with isoleucine.
Molecular consequence: missense variant. On other transcripts: non-coding transcript variant (1).
Genome position (GRCh38, 1-based): chr16:10,916,426, C>T. VCF-style: chr16-10916426-C-T. GRCh37 (hg19) VCF-style: chr16-11010283-C-T.
Other names: c.3032C>T, p.Thr1011Ile (NM_001286402.1, NM_001379332.1); c.1277C>T, p.Thr426Ile (NM_001286403.2); c.2885C>T, p.Thr962Ile (NM_001379330.1); c.2882C>T, p.Thr961Ile (NM_001379331.1); c.3029C>T, p.Thr1010Ile (NM_001379333.1); c.2960C>T, p.Thr987Ile (NM_001379334.1); c.3029C>T (NM_000246.3); short protein forms T1010I, T1011I, T426I, T961I, T962I, T987I.
Identifiers: ClinVar variation 999492 (VCV000999492.10), dbSNP rs779295530, ClinGen allele CA7900630.

ClinVar aggregate classification (germline): Uncertain significance. Review status: criteria provided, multiple submitters, no conflicts (2 of 4 stars). 3 submissions from 3 submitters: Uncertain significance (2). 1 of the submissions does not count toward it. Last evaluated 2025-04-18.

Conditions:
Inborn genetic diseases. Identifiers: MedGen C0950123, MeSH D030342.
MHC class II deficiency. Also called: Bare lymphocyte syndrome 2; BLS, TYPE II. Identifiers: Orphanet 572, MedGen C5447452, MONDO:0008855.

Allele frequency attached by ClinVar (database versions not stated): gnomAD 0.00005 and 0.00006; TOPMed 0.00005; gnomAD exomes 0.00006; ExAC 0.00007.

Submissions (3):

Ambry Genetics
Classification: Uncertain significance for Inborn genetic diseases. Last evaluated: 2025-04-18. Review status: criteria provided, single submitter. Criteria: Ambry Variant Classification Scheme 2023. Collection method: clinical testing. Allele origin: germline.

Labcorp Genetics (formerly Invitae), Labcorp
Classification: Uncertain significance for MHC class II deficiency. Last evaluated: 2024-11-05. Review status: criteria provided, single submitter. Criteria: Invitae Variant Classification Sherloc (09022015). Collection method: clinical testing. Allele origin: germline.
Comment: This sequence change replaces threonine, which is neutral and polar, with isoleucine, which is neutral and non-polar, at codon 1010 of the CIITA protein (p.Thr1010Ile). This variant is present in population databases (rs779295530, gnomAD 0.01%). This variant has not been reported in the literature in individuals affected with CIITA-related conditions. ClinVar contains an entry for this variant (Variation ID: 999492). An algorithm developed to predict the effect of missense changes on protein structure and function outputs the following: PolyPhen-2: "Benign". The isoleucine amino acid residue is found in multiple mammalian species, which suggests that this missense change does not adversely affect protein function. In summary, the available evidence is currently insufficient to determine the role of this variant in disease. Therefore, it has been classified as a Variant of Uncertain Significance.

Natera, Inc.
Classification: Uncertain significance for Bare lymphocyte syndrome type II. Last evaluated: 2020-03-20. Review status: no assertion criteria provided. Collection method: clinical testing. Allele origin: germline. Not counted in ClinVar's aggregate classification.